The following is an entry in ClinVar:

NM_003114.5(SPAG1):c.2728A>C (p.Asn910His)

Gene: SPAG1 (sperm associated antigen 1; plus strand). Cytogenetic location: 8q22.2.
Variant type: single nucleotide variant.
Coding change: c.2728A>C on transcript NM_003114.5 (MANE Select); coding-DNA position 2728, A replaced by C.
Protein change: p.Asn910His; replaces asparagine 910 with histidine.
Molecular consequence: missense variant.
Genome position (GRCh38, 1-based): chr8:100,240,969, A>C. VCF-style: chr8-100240969-A-C. GRCh37 (hg19) VCF-style: chr8-101253197-A-C.
Other names: c.2728A>C, p.Asn910His (NM_001374321.1, NM_172218.3); short protein forms N910H.
Identifiers: ClinVar variation 541534 (VCV000541534.8), dbSNP rs1054502421, ClinGen allele CA182369952.

ClinVar aggregate classification (germline): Uncertain significance (1 of 4 stars; one submission).

Conditions:
Primary ciliary dyskinesia 28. Also called: CILIARY DYSKINESIA, PRIMARY, 28, WITH OR WITHOUT SITUS INVERSUS. Identifiers: Orphanet 244, MedGen C3809706, MONDO:0014216, OMIM 615505.

Allele frequency attached by ClinVar (database versions not stated): TOPMed 0.00003.

Submission:

Labcorp Genetics (formerly Invitae), Labcorp
Classification: Uncertain significance for Primary ciliary dyskinesia 28. Last evaluated: 2017-12-13. Review status: criteria provided, single submitter. Criteria: Invitae Variant Classification Sherloc (09022015). Collection method: clinical testing. Allele origin: germline.
Comment: This variant has not been reported in the literature in individuals with SPAG1-related disease. In summary, the available evidence is currently insufficient to determine the role of this variant in disease. Therefore, it has been classified as a Variant of Uncertain Significance. Algorithms developed to predict the effect of missense changes on protein structure and function output the following: SIFT: "Tolerated"; PolyPhen-2: "Benign"; Align-GVGD: "Class C0". The histidine amino acid residue is found in multiple mammalian species, suggesting that this missense change does not adversely affect protein function. These predictions have not been confirmed by published functional studies and their clinical significance is uncertain. This variant is not present in population databases (ExAC no frequency). This sequence change replaces asparagine with histidine at codon 910 of the SPAG1 protein (p.Asn910His). The asparagine residue is weakly conserved and there is a small physicochemical difference between asparagine and histidine.